The following is an entry in ClinVar:

ClinVar aggregate classification (germline): Uncertain significance (1 of 4 stars; one submission).

Conditions:
Retinitis pigmentosa 73 (RP73). Identifiers: Orphanet 791, MedGen C4225287, MONDO:0014687, OMIM 616544.
Mucopolysaccharidosis, MPS-III-C (MPS3C). Also called: SANFILIPPO SYNDROME C; MPS III C; Mucopolysaccharidosis type IIIC (Sanfilippo C); MUCOPOLYSACCHARIDOSIS, TYPE IIIC; mucopolysaccharidosis type 3C; MPS IIIC (Sanfilippo Syndrome Type C). Identifiers: Orphanet 581, Orphanet 79271, MedGen C0086649, MONDO:0009657, OMIM 252930.

Submission:

Labcorp Genetics (formerly Invitae), Labcorp
Classification: Uncertain significance for Retinitis pigmentosa 73; Mucopolysaccharidosis, MPS-III-C. Last evaluated: 2025-05-12. Review status: criteria provided, single submitter. Criteria: Invitae Variant Classification Sherloc (09022015). Collection method: clinical testing. Allele origin: germline.
Comment: This sequence change replaces tyrosine, which is neutral and polar, with cysteine, which is neutral and slightly polar, at codon 453 of the HGSNAT protein (p.Tyr453Cys). This variant is not present in population databases (gnomAD no frequency). This variant has not been reported in the literature in individuals affected with HGSNAT-related conditions. ClinVar contains an entry for this variant (Variation ID: 2952040). Invitae Evidence Modeling of protein sequence and biophysical properties (such as structural, functional, and spatial information, amino acid conservation, physicochemical variation, residue mobility, and thermodynamic stability) indicates that this missense variant is expected to disrupt HGSNAT protein function with a positive predictive value of 80%. In summary, the available evidence is currently insufficient to determine the role of this variant in disease. Therefore, it has been classified as a Variant of Uncertain Significance.

NM_152419.3(HGSNAT):c.1358A>G (p.Tyr453Cys)

Gene: HGSNAT (heparan-alpha-glucosaminide N-acetyltransferase; plus strand). Cytogenetic location: 8p11.21.
Variant type: single nucleotide variant.
Coding change: c.1358A>G on transcript NM_152419.3 (MANE Select); coding-DNA position 1358, A replaced by G.
Protein change: p.Tyr453Cys; replaces tyrosine 453 with cysteine.
Molecular consequence: missense variant.
Genome position (GRCh38, 1-based): chr8:43,192,411, A>G. VCF-style: chr8-43192411-A-G. GRCh37 (hg19) VCF-style: chr8-43047554-A-G.
Other names: c.1358A>G, p.Tyr453Cys (NM_001363227.2); c.1166A>G, p.Tyr389Cys (NM_001363228.2); c.494A>G, p.Tyr165Cys (NM_001363229.2); short protein forms Y165C, Y389C, Y453C.
Identifiers: ClinVar variation 2952040 (VCV002952040.3), dbSNP rs2487089676, ClinGen allele CA371119756.